The following is an entry in ClinVar:

NM_001365088.1(SLC12A6):c.2215C>T (p.Arg739Trp)

Gene: SLC12A6 (solute carrier family 12 member 6; minus strand). Cytogenetic location: 15q14.
Variant type: single nucleotide variant.
Coding change: c.2215C>T on transcript NM_001365088.1 (MANE Select); coding-DNA position 2215, C replaced by T.
Protein change: p.Arg739Trp; replaces arginine 739 with tryptophan.
Molecular consequence: missense variant.
Genome position (GRCh38, 1-based): chr15:34,241,285, G>A on the plus strand (C>T on the coding strand, the complement: SLC12A6 is on the minus strand). VCF-style: chr15-34241285-G-A. GRCh37 (hg19) VCF-style: chr15-34533486-G-A.
Other names: c.2038C>T, p.Arg680Trp (NM_001042494.2, NM_001042495.2); c.2188C>T, p.Arg730Trp (NM_001042496.2); c.2170C>T, p.Arg724Trp (NM_001042497.2); c.2062C>T, p.Arg688Trp (NM_005135.2); c.2215C>T, p.Arg739Trp (NM_133647.2); short protein forms R739W, R688W, R724W, R730W, R680W.
Identifiers: ClinVar variation 2900600 (VCV002900600.3), dbSNP rs754556635, ClinGen allele CA7464125.

ClinVar aggregate classification (germline): Uncertain significance. Review status: criteria provided, multiple submitters, no conflicts (2 of 4 stars). 3 submissions from 3 submitters: Uncertain significance (3). Last evaluated 2025-07-02.

Conditions:
Inborn genetic diseases. Identifiers: MedGen C0950123, MeSH D030342.

Allele frequency attached by ClinVar (database versions not stated): gnomAD 0.00001; TOPMed 0.00001; ExAC 0.00002.
gnomAD v4.1: 26 of 1,611,604 alleles (0.0016%); highest among the groups gnomAD compares: Non-Finnish European, 0.002%; no homozygotes.

Submissions (3):

Ambry Genetics
Classification: Uncertain significance for Inborn genetic diseases. Last evaluated: 2025-07-02. Review status: criteria provided, single submitter. Criteria: Ambry Variant Classification Scheme 2023. Collection method: clinical testing. Allele origin: germline.

Blueprint Genetics
Classification: Uncertain significance. Last evaluated: 2023-10-30. Review status: criteria provided, single submitter. Criteria: ACMG Guidelines, 2015. Collection method: clinical testing. Allele origin: germline.

Labcorp Genetics (formerly Invitae), Labcorp
Classification: Uncertain significance. Last evaluated: 2023-06-30. Review status: criteria provided, single submitter. Criteria: Invitae Variant Classification Sherloc (09022015). Collection method: clinical testing. Allele origin: germline.
Comment: In summary, the available evidence is currently insufficient to determine the role of this variant in disease. Therefore, it has been classified as a Variant of Uncertain Significance. Advanced modeling of protein sequence and biophysical properties (such as structural, functional, and spatial information, amino acid conservation, physicochemical variation, residue mobility, and thermodynamic stability) performed at Invitae indicates that this missense variant is expected to disrupt SLC12A6 protein function. This variant has not been reported in the literature in individuals affected with SLC12A6-related conditions. This variant is present in population databases (rs754556635, gnomAD 0.01%). This sequence change replaces arginine, which is basic and polar, with tryptophan, which is neutral and slightly polar, at codon 739 of the SLC12A6 protein (p.Arg739Trp).